The following is an entry in ClinVar:

ClinVar aggregate classification (germline): Pathogenic (1 of 4 stars; one submission).

Submission:

GeneDx
Classification: Pathogenic. Last evaluated: 2026-02-04. Review status: criteria provided, single submitter. Criteria: GeneDx Variant Classification Process June 2021. Collection method: clinical testing. Allele origin: germline.
Comment: Nonsense variant predicted to result in protein truncation or nonsense mediated decay in a gene for which loss of function is a known mechanism of disease; Not observed at significant frequency in large population cohorts (gnomAD); This variant is associated with the following publications: (PMID: 36071541)

NM_002336.3(LRP6):c.1573C>T (p.Arg525Ter)

Gene: LRP6 (LDL receptor related protein 6; minus strand). Cytogenetic location: 12p13.2.
Variant type: single nucleotide variant.
Coding change: c.1573C>T on transcript NM_002336.3 (MANE Select); coding-DNA position 1573, C replaced by T.
Protein change: p.Arg525Ter; replaces arginine 525 with a stop codon.
Molecular consequence: nonsense. On other transcripts: non-coding transcript variant (1), intron variant (1).
Genome position (GRCh38, 1-based): chr12:12,165,268, G>A on the plus strand (C>T on the coding strand, the complement: LRP6 is on the minus strand). VCF-style: chr12-12165268-G-A. GRCh37 (hg19) VCF-style: chr12-12318202-G-A.
Other names: c.1573C>T, p.Arg525Ter (NM_001414244.1, NM_001414245.1, NM_001414246.1 and 4 more transcripts); c.1375C>T, p.Arg459Ter (NM_001414247.1); c.1120C>T, p.Arg374Ter (NM_001414252.1, NM_001414253.1, NM_001414254.1); c.1546-2849C>T (NM_001414255.1); short protein forms R374*, R459*, R525*.
Identifiers: ClinVar variation 4891504 (VCV004891504.1).